The following is an entry in ClinVar:

NC_000006.11:g.(?_3077058)_(3078189_?)del

Gene: RIPK1 (receptor interacting serine/threonine kinase 1; plus strand). Cytogenetic location: 6p25.2.
Variant type: Deletion.
Identifiers: ClinVar variation 1350924 (VCV001350924.4).

ClinVar aggregate classification (germline): Pathogenic (1 of 4 stars; one submission).

Submission:

Labcorp Genetics (formerly Invitae), Labcorp
Classification: Pathogenic. Last evaluated: 2021-09-29. Review status: criteria provided, single submitter. Criteria: Invitae Variant Classification Sherloc (09022015). Collection method: clinical testing. Allele origin: germline.
Comment: For these reasons, this variant has been classified as Pathogenic. This variant has not been reported in the literature in individuals affected with RIPK1-related conditions. This variant is a gross deletion of the genomic region encompassing exon(s) 2-3 of the RIPK1 gene, which includes the initiator codon. This deletion extends beyond the assayed region for this gene and therefore may encompass additional genes. It is expected to result in an absent or disrupted protein product. Loss-of-function variants in RIPK1 are known to be pathogenic (PMID: 31213653).

Literature cited by the submitters: PubMed 31213653.